The following is an entry in ClinVar:

NM_021072.4(HCN1):c.859A>C (p.Met287Leu)

Gene: HCN1 (hyperpolarization activated cyclic nucleotide gated potassium channel 1; minus strand). Cytogenetic location: 5p12.
Variant type: single nucleotide variant.
Coding change: c.859A>C on transcript NM_021072.4 (MANE Select); coding-DNA position 859, A replaced by C.
Protein change: p.Met287Leu; replaces methionine 287 with leucine.
Molecular consequence: missense variant.
Genome position (GRCh38, 1-based): chr5:45,461,998, T>G on the plus strand (A>C on the coding strand, the complement: HCN1 is on the minus strand). VCF-style: chr5-45461998-T-G. GRCh37 (hg19) VCF-style: chr5-45462100-T-G.
Other names: c.859A>C (NM_021072.3); short protein forms M287L.
Identifiers: ClinVar variation 2856642 (VCV002856642.4), dbSNP rs2478145517, ClinGen allele CA359705096.

ClinVar aggregate classification (germline): Uncertain significance. Review status: criteria provided, multiple submitters, no conflicts (2 of 4 stars). 2 submissions from 2 submitters: Uncertain significance (2). Last evaluated 2024-02-05.

Conditions:
Early-infantile DEE. Also called: Ohtahara syndrome; Early infantile epileptic encephalopathy with suppression bursts; Early infantile epileptic encephalopathy. Identifiers: Orphanet 1934, MedGen C0393706, MONDO:0800491.

Submissions (2):

GeneDx
Classification: Uncertain significance. Last evaluated: 2024-02-05. Review status: criteria provided, single submitter. Criteria: GeneDx Variant Classification Process June 2021. Collection method: clinical testing. Allele origin: germline. Affected: yes.
Comment: Not observed at significant frequency in large population cohorts (gnomAD); In silico analysis supports that this missense variant has a deleterious effect on protein structure/function; Has not been previously published as pathogenic or benign to our knowledge

Labcorp Genetics (formerly Invitae), Labcorp
Classification: Uncertain significance for Early-infantile DEE. Last evaluated: 2023-04-15. Review status: criteria provided, single submitter. Criteria: Invitae Variant Classification Sherloc (09022015). Collection method: clinical testing. Allele origin: germline.
Comment: In summary, the available evidence is currently insufficient to determine the role of this variant in disease. Therefore, it has been classified as a Variant of Uncertain Significance. Advanced modeling of protein sequence and biophysical properties (such as structural, functional, and spatial information, amino acid conservation, physicochemical variation, residue mobility, and thermodynamic stability) has been performed at Invitae for this missense variant, however the output from this modeling did not meet the statistical confidence thresholds required to predict the impact of this variant on HCN1 protein function. This variant has not been reported in the literature in individuals affected with HCN1-related conditions. This variant is not present in population databases (gnomAD no frequency). This sequence change replaces methionine, which is neutral and non-polar, with leucine, which is neutral and non-polar, at codon 287 of the HCN1 protein (p.Met287Leu).